The following is an entry in ClinVar:

NM_182925.5(FLT4):c.2658G>C (p.Thr886=)

Gene: FLT4 (fms related receptor tyrosine kinase 4; minus strand). Cytogenetic location: 5q35.3.
Variant type: single nucleotide variant.
Coding change: c.2658G>C on transcript NM_182925.5 (MANE Select); coding-DNA position 2658, G replaced by C.
Protein change: p.Thr886=; no amino-acid change (threonine 886 retained).
Molecular consequence: synonymous variant.
Genome position (GRCh38, 1-based): chr5:180,619,356, C>G on the plus strand (G>C on the coding strand, the complement: FLT4 is on the minus strand). VCF-style: chr5-180619356-C-G. GRCh37 (hg19) VCF-style: chr5-180046356-C-G.
Other names: c.2658G>C, p.Thr886= (NM_001354989.2, NM_002020.5).
Identifiers: ClinVar variation 3033514 (VCV003033514.2), dbSNP rs763242614, ClinGen allele CA3606154.

ClinVar aggregate classification (germline): Likely benign (0 of 4 stars; one submission).

Conditions:
FLT4-related disorder. Also called: FLT4-related condition.

Allele frequency attached by ClinVar (database versions not stated): ExAC 0.00001; TOPMed 0.00001.
gnomAD v4.1: 1 of 1,609,418 alleles (0.000062%); highest among the groups gnomAD compares: East Asian, 0.0022%; no homozygotes.

Submission:

PreventionGenetics, part of Exact Sciences
Classification: Likely benign for FLT4-related condition. Last evaluated: 2019-06-18. Review status: no assertion criteria provided. Collection method: clinical testing. Allele origin: germline.
Comment: This variant is classified as likely benign based on ACMG/AMP sequence variant interpretation guidelines (Richards et al. 2015 PMID: 25741868, with internal and published modifications).